The following is an entry in ClinVar:

ClinVar aggregate classification (germline): Pathogenic (1 of 4 stars; one submission).

Conditions:
Hereditary nonpolyposis colorectal neoplasms. Identifiers: MedGen C0009405, MeSH D003123.

Submission:

Labcorp Genetics (formerly Invitae), Labcorp
Classification: Pathogenic for Hereditary nonpolyposis colorectal neoplasms. Last evaluated: 2019-09-13. Review status: criteria provided, single submitter. Criteria: Invitae Variant Classification Sherloc (09022015). Collection method: clinical testing. Allele origin: germline.
Comment: For these reasons, this variant has been classified as Pathogenic. Loss-of-function variants in MSH6 are known to be pathogenic (PMID: 18269114, 24362816). This variant has not been reported in the literature in individuals with MSH6-related conditions. This variant is not present in population databases (ExAC no frequency). This sequence change creates a premature translational stop signal (p.Arg1304Lysfs*4) in the MSH6 gene. It is expected to result in an absent or disrupted protein product.

Literature cited by the submitters: PubMed 18269114; PubMed 24362816.

NM_000179.3(MSH6):c.3910dup (p.Arg1304fs)

Gene: MSH6 (mutS homolog 6; plus strand). Cytogenetic location: 2p16.3.
Variant type: Duplication.
Coding change: c.3910dup on transcript NM_000179.3 (MANE Select); coding-DNA position 3910, one base duplicated (A; older notation c.3910dupA).
Protein change: p.Arg1304fs; shifts the reading frame from arginine 1304.
Molecular consequence: frameshift variant.
Genome position (GRCh38, 1-based): chr2:47,806,560, A duplicated; the last of 2 consecutive A bases (chr2:47,806,559-47,806,560); duplicating either gives the same sequence. VCF-style (leftmost placement, unchanged base first): chr2-47806558-C-CA. GRCh37 (hg19) VCF-style: chr2-48033697-C-CA.
Other names: c.3520dup, p.Arg1174fs (NM_001281492.2); c.3004dup, p.Arg1002fs (NM_001281493.2, NM_001281494.2); short protein forms R1174fs, R1304fs, R1002fs.
Identifiers: ClinVar variation 939127 (VCV000939127.8), dbSNP rs1670119651, ClinGen allele CA1139656983.